The following is an entry in ClinVar:

ClinVar aggregate classification (germline): Uncertain significance. Review status: criteria provided, multiple submitters, no conflicts (2 of 4 stars). 2 submissions from 2 submitters: Uncertain significance (2). Last evaluated 2025-03-01.

Allele frequency attached by ClinVar (database versions not stated): ExAC 0.00001; gnomAD 0.00001; gnomAD exomes 0.00001 and 0.00004; TOPMed 0.00002; 1000 Genomes Project 30x 0.00016; 1000 Genomes Project 0.00020.
gnomAD v4.1: 12 of 1,609,182 alleles (0.00075%); highest among the groups gnomAD compares: East Asian, 0.027%; no homozygotes.

Submissions (2):

CeGaT Center for Human Genetics Tuebingen
Classification: Uncertain significance. Last evaluated: 2025-03-01. Review status: criteria provided, single submitter. Criteria: CeGaT Center For Human Genetics Tuebingen Variant Classification Criteria Version 2. Collection method: clinical testing. Allele origin: germline. Affected: yes. Observed: 1 variant allele.
Comment: NANS: PM2

Labcorp Genetics (formerly Invitae), Labcorp
Classification: Uncertain significance. Last evaluated: 2024-10-14. Review status: criteria provided, single submitter. Criteria: Invitae Variant Classification Sherloc (09022015). Collection method: clinical testing. Allele origin: germline.
Comment: This sequence change replaces valine, which is neutral and non-polar, with alanine, which is neutral and non-polar, at codon 35 of the NANS protein (p.Val35Ala). This variant is present in population databases (rs540341211, gnomAD 0.05%). This variant has not been reported in the literature in individuals affected with NANS-related conditions. ClinVar contains an entry for this variant (Variation ID: 1511077). An algorithm developed to predict the effect of missense changes on protein structure and function (PolyPhen-2) suggests that this variant is likely to be tolerated. In summary, the available evidence is currently insufficient to determine the role of this variant in disease. Therefore, it has been classified as a Variant of Uncertain Significance.

NM_018946.4(NANS):c.104T>C (p.Val35Ala)

Genes: NANS (N-acetylneuraminate synthase; plus strand), TRIM14 (tripartite motif containing 14; minus strand), LOC130002204 (ATAC-STARR-seq lymphoblastoid silent region 20113; plus strand). Cytogenetic location: 9q22.33.
Variant type: single nucleotide variant.
Coding change: c.104T>C on transcript NM_018946.4 (MANE Select); coding-DNA position 104, T replaced by C.
Protein change: p.Val35Ala; replaces valine 35 with alanine.
Molecular consequence: missense variant.
Genome position (GRCh38, 1-based): chr9:98,056,912, T>C. VCF-style: chr9-98056912-T-C. GRCh37 (hg19) VCF-style: chr9-100819194-T-C.
Other names: short protein forms V35A.
Identifiers: ClinVar variation 1511077 (VCV001511077.15), dbSNP rs540341211, ClinGen allele CA5150163.